The following is an entry in ClinVar:

ClinVar aggregate classification (germline): Uncertain significance (1 of 4 stars; one submission).

Submission:

Labcorp Genetics (formerly Invitae), Labcorp
Classification: Uncertain significance. Last evaluated: 2025-01-13. Review status: criteria provided, single submitter. Criteria: Invitae Variant Classification Sherloc (09022015). Collection method: clinical testing. Allele origin: germline.
Comment: This sequence change replaces valine, which is neutral and non-polar, with leucine, which is neutral and non-polar, at codon 340 of the OAS1 protein (p.Val340Leu). This variant is not present in population databases (gnomAD no frequency). This variant has not been reported in the literature in individuals affected with OAS1-related conditions. An algorithm developed to predict the effect of missense changes on protein structure and function (PolyPhen-2) suggests that this variant is likely to be tolerated. In summary, the available evidence is currently insufficient to determine the role of this variant in disease. Therefore, it has been classified as a Variant of Uncertain Significance.

NM_016816.4(OAS1):c.1018G>C (p.Val340Leu)

Gene: OAS1 (2'-5'-oligoadenylate synthetase 1; plus strand). Cytogenetic location: 12q24.13.
Variant type: single nucleotide variant.
Coding change: c.1018G>C on transcript NM_016816.4 (MANE Select); coding-DNA position 1018, G replaced by C.
Protein change: p.Val340Leu; replaces valine 340 with leucine.
Molecular consequence: missense variant. On other transcripts: non-coding transcript variant (9).
Genome position (GRCh38, 1-based): chr12:112,917,680, G>C. VCF-style: chr12-112917680-G-C. GRCh37 (hg19) VCF-style: chr12-113355485-G-C.
Other names: c.1018G>C, p.Val340Leu (NM_001032409.3, NM_001320151.2, NM_001406022.1 and 1 more transcripts); c.994G>C, p.Val332Leu (NM_001406020.1, NM_001406021.1, NM_001406023.1 and 2 more transcripts); c.544G>C, p.Val182Leu (NM_001406026.1, NM_001406027.1, NM_001406029.1 and 1 more transcripts); short protein forms V332L, V340L, V182L.
Identifiers: ClinVar variation 3728244 (VCV003728244.2).